The following is an entry in ClinVar:

ClinVar aggregate classification (germline): Likely benign (1 of 4 stars; one submission).

Allele frequency attached by ClinVar (database versions not stated): gnomAD exomes below 0.00001.
gnomAD v4.1: 2 of 1,613,870 alleles (0.00012%); highest among the groups gnomAD compares: East Asian, 0.0022%; no homozygotes.

Submission:

CeGaT Center for Human Genetics Tuebingen
Classification: Likely benign. Last evaluated: 2022-05-01. Review status: criteria provided, single submitter. Criteria: CeGaT Center For Human Genetics Tuebingen Variant Classification Criteria Version 2. Collection method: clinical testing. Allele origin: germline. Affected: yes. Observed: 1 variant allele.
Comment: ZFHX3: BP4

NM_006885.4(ZFHX3):c.2754G>T (p.Gly918=)

Gene: ZFHX3 (zinc finger homeobox 3; minus strand). Cytogenetic location: 16q22.3.
Variant type: single nucleotide variant.
Coding change: c.2754G>T on transcript NM_006885.4 (MANE Select); coding-DNA position 2754, G replaced by T.
Protein change: p.Gly918=; no amino-acid change (glycine 918 retained).
Molecular consequence: synonymous variant.
Genome position (GRCh38, 1-based): chr16:72,950,931, C>A on the plus strand (G>T on the coding strand, the complement: ZFHX3 is on the minus strand). VCF-style: chr16-72950931-C-A. GRCh37 (hg19) VCF-style: chr16-72984830-C-A.
Other names: c.12G>T, p.Gly4= (NM_001164766.2); c.2754G>T, p.Gly918= (NM_001386735.1).
Identifiers: ClinVar variation 2646837 (VCV002646837.24), dbSNP rs1441259908, ClinGen allele CA496421230.